The following is an entry in ClinVar:

NC_000004.12:g.6269848T>A

Genes: WFS1 (wolframin ER transmembrane glycoprotein; plus strand), LOC129992166 (ATAC-STARR-seq lymphoblastoid silent region 15229; plus strand). Cytogenetic location: 4p16.1.
Variant type: single nucleotide variant.
Genome position: GRCh38 VCF-style: chr4-6269848-T-A. GRCh37 (hg19) VCF-style: chr4-6271575-T-A.
Identifiers: ClinVar variation 3033603 (VCV003033603.2), dbSNP rs2474147630, ClinGen allele CA2740091196.

ClinVar aggregate classification (germline): Likely benign (0 of 4 stars; one submission).

Conditions:
WFS1-related disorder. Identifiers: MedGen CN379391, MONDO:0700293.

Submission:

PreventionGenetics, part of Exact Sciences
Classification: Likely benign for WFS1-related condition. Last evaluated: 2021-10-27. Review status: no assertion criteria provided. Collection method: clinical testing. Allele origin: germline.
Comment: This variant is classified as likely benign based on ACMG/AMP sequence variant interpretation guidelines (Richards et al. 2015 PMID: 25741868, with internal and published modifications).